The following is an entry in ClinVar:

NM_004260.4(RECQL4):c.1129C>G (p.Gln377Glu)

Gene: RECQL4 (RecQ like helicase 4; minus strand). Cytogenetic location: 8q24.3.
Variant type: single nucleotide variant.
Coding change: c.1129C>G on transcript NM_004260.4 (MANE Select); coding-DNA position 1129, C replaced by G.
Protein change: p.Gln377Glu; replaces glutamine 377 with glutamic acid.
Molecular consequence: missense variant.
Genome position (GRCh38, 1-based): chr8:144,515,990, G>C on the plus strand (C>G on the coding strand, the complement: RECQL4 is on the minus strand). VCF-style: chr8-144515990-G-C. GRCh37 (hg19) VCF-style: chr8-145741374-G-C.
Other names: short protein forms Q377E.
Identifiers: ClinVar variation 653365 (VCV000653365.6), dbSNP rs372521987, ClinGen allele CA187688258.

ClinVar aggregate classification (germline): Uncertain significance. Review status: criteria provided, multiple submitters, no conflicts (2 of 4 stars). 2 submissions from 2 submitters: Uncertain significance (2). Last evaluated 2024-11-26.

Conditions:
Baller-Gerold syndrome (BGS). Also called: CRANIOSYNOSTOSIS WITH RADIAL DEFECTS. Identifiers: Orphanet 1225, MedGen C0265308, MONDO:0009039, OMIM 218600.
Inborn genetic diseases. Identifiers: MedGen C0950123, MeSH D030342.

Allele frequency attached by ClinVar (database versions not stated): gnomAD 0.00001; TOPMed 0.00001; ESP Exome Variant Server 0.00008.
gnomAD v4.1: 33 of 1,609,438 alleles (0.0021%); highest among the groups gnomAD compares: African/African-American, 0.0027%; no homozygotes.

Submissions (2):

Ambry Genetics
Classification: Uncertain significance for Inborn genetic diseases. Last evaluated: 2024-11-26. Review status: criteria provided, single submitter. Criteria: Ambry Variant Classification Scheme 2023. Collection method: clinical testing. Allele origin: germline.
Comment: The p.Q377E variant (also known as c.1129C>G), located in coding exon 5 of the RECQL4 gene, results from a C to G substitution at nucleotide position 1129. The glutamine at codon 377 is replaced by glutamic acid, an amino acid with highly similar properties. This amino acid position is conserved. In addition, the in silico prediction for this alteration is inconclusive. Based on the available evidence, the clinical significance of this variant remains unclear.

Labcorp Genetics (formerly Invitae), Labcorp
Classification: Uncertain significance for Baller-Gerold syndrome. Last evaluated: 2022-11-07. Review status: criteria provided, single submitter. Criteria: Invitae Variant Classification Sherloc (09022015). Collection method: clinical testing. Allele origin: germline.
Comment: In summary, the available evidence is currently insufficient to determine the role of this variant in disease. Therefore, it has been classified as a Variant of Uncertain Significance. Experimental studies and prediction algorithms are not available or were not evaluated, and the functional significance of this variant is currently unknown. ClinVar contains an entry for this variant (Variation ID: 653365). This variant has not been reported in the literature in individuals affected with RECQL4-related conditions. This variant is present in population databases (rs372521987, gnomAD 0.01%). This sequence change replaces glutamine, which is neutral and polar, with glutamic acid, which is acidic and polar, at codon 377 of the RECQL4 protein (p.Gln377Glu).